The following is an entry in ClinVar:

NM_002460.4(IRF4):c.403+4G>C

Gene: IRF4 (interferon regulatory factor 4; plus strand). Cytogenetic location: 6p25.3.
Variant type: single nucleotide variant.
Coding change: c.403+4G>C on transcript NM_002460.4 (MANE Select); 4 bases into the intron after coding-DNA position 403, G replaced by C.
Molecular consequence: intron variant.
Genome position (GRCh38, 1-based): chr6:395,011, G>C. VCF-style: chr6-395011-G-C. GRCh37 (hg19) VCF-style: chr6-395011-G-C.
Other names: c.403+4G>C (NM_001195286.2).
Identifiers: ClinVar variation 2777972 (VCV002777972.3), dbSNP rs1761215508, ClinGen allele CA2677040239.

ClinVar aggregate classification (germline): Uncertain significance (1 of 4 stars; one submission).

gnomAD v4.1: 1 of 1,583,658 alleles (0.000063%); highest among the groups gnomAD compares: Non-Finnish European, 0.000086%; no homozygotes.

Submission:

Labcorp Genetics (formerly Invitae), Labcorp
Classification: Uncertain significance. Last evaluated: 2024-01-19. Review status: criteria provided, single submitter. Criteria: Invitae Variant Classification Sherloc (09022015). Collection method: clinical testing. Allele origin: germline.
Comment: This sequence change falls in intron 3 of the IRF4 gene. It does not directly change the encoded amino acid sequence of the IRF4 protein. It affects a nucleotide within the consensus splice site. This variant is not present in population databases (gnomAD no frequency). This variant has not been reported in the literature in individuals affected with IRF4-related conditions. Variants that disrupt the consensus splice site are a relatively common cause of aberrant splicing (PMID: 17576681, 9536098). Algorithms developed to predict the effect of sequence changes on RNA splicing suggest that this variant is not likely to affect RNA splicing. In summary, the available evidence is currently insufficient to determine the role of this variant in disease. Therefore, it has been classified as a Variant of Uncertain Significance.

Literature cited by the submitters: PubMed 17576681; PubMed 9536098.